The following is an entry in ClinVar:

NM_000096.4(CP):c.728C>G (p.Pro243Arg)

Gene: CP (ceruloplasmin; minus strand). Cytogenetic location: 3q25.1.
Variant type: single nucleotide variant.
Coding change: c.728C>G on transcript NM_000096.4 (MANE Select); coding-DNA position 728, C replaced by G.
Protein change: p.Pro243Arg; replaces proline 243 with arginine.
Molecular consequence: missense variant. On other transcripts: non-coding transcript variant (1).
Genome position (GRCh38, 1-based): chr3:149,209,264, G>C on the plus strand (C>G on the coding strand, the complement: CP is on the minus strand). VCF-style: chr3-149209264-G-C. GRCh37 (hg19) VCF-style: chr3-148927051-G-C.
Other names: short protein forms P243R.
Identifiers: ClinVar variation 4805353 (VCV004805353.1).

ClinVar aggregate classification (germline): Uncertain significance (1 of 4 stars; one submission).

Conditions:
Deficiency of ferroxidase (ACEP). Also called: NEURODEGENERATION WITH BRAIN IRON ACCUMULATION 10; Deficiency of ceruloplasmin; Aceruloplasminemia; Ceruloplasmin deficiency; Familial apoceruloplasmin deficiency; Hereditary ceruloplasmin deficiency. Identifiers: Orphanet 48818, MedGen C0878682, MONDO:0011426, OMIM 604290, HP:0025498.

gnomAD v4.1: 13 of 1,613,578 alleles (0.00081%); highest among the groups gnomAD compares: Non-Finnish European, 0.0011%; no homozygotes.

Submission:

Labcorp Genetics (formerly Invitae), Labcorp
Classification: Uncertain significance for Deficiency of ferroxidase. Last evaluated: 2025-12-11. Review status: criteria provided, single submitter. Criteria: Invitae Variant Classification Sherloc (09022015). Collection method: clinical testing. Allele origin: germline.
Comment: This sequence change replaces proline, which is neutral and non-polar, with arginine, which is basic and polar, at codon 243 of the CP protein (p.Pro243Arg). This variant is present in population databases (rs753890662, gnomAD 0.0009%). This variant has not been reported in the literature in individuals affected with CP-related conditions. Invitae Evidence Modeling of protein sequence and biophysical properties (such as structural, functional, and spatial information, amino acid conservation, physicochemical variation, residue mobility, and thermodynamic stability) indicates that this missense variant is not expected to disrupt CP protein function with a negative predictive value of 80%. In summary, the available evidence is currently insufficient to determine the role of this variant in disease. Therefore, it has been classified as a Variant of Uncertain Significance.